The following is an entry in ClinVar:

NM_004415.4(DSP):c.7223C>A (p.Pro2408Gln)

Gene: DSP (desmoplakin; plus strand). Cytogenetic location: 6p24.3.
Variant type: single nucleotide variant.
Coding change: c.7223C>A on transcript NM_004415.4 (MANE Select); coding-DNA position 7223, C replaced by A.
Protein change: p.Pro2408Gln; replaces proline 2408 with glutamine.
Molecular consequence: missense variant.
Genome position (GRCh38, 1-based): chr6:7,584,485, C>A. VCF-style: chr6-7584485-C-A. GRCh37 (hg19) VCF-style: chr6-7584718-C-A.
Other names: c.5426C>A, p.Pro1809Gln (NM_001008844.3); c.5894C>A, p.Pro1965Gln (NM_001319034.2); short protein forms P1809Q, P2408Q, P1965Q.
Identifiers: ClinVar variation 1448610 (VCV001448610.6), dbSNP rs2113701876, ClinGen allele CA362692513.

ClinVar aggregate classification (germline): Uncertain significance (1 of 4 stars; one submission).

Conditions:
Arrhythmogenic cardiomyopathy with wooly hair and keratoderma. Also called: Carvajal syndrome; Arrhythmogenic cardiomyopathy with woolly hair and keratoderma; PALMOPLANTAR KERATODERMA WITH LEFT VENTRICULAR CARDIOMYOPATHY AND WOOLLY HAIR; Dilated cardiomyopathy with woolly hair and keratoderma. Identifiers: Orphanet 65282, MedGen C1854063, MONDO:0011581, OMIM 605676.
Arrhythmogenic right ventricular dysplasia 8 (ARVD8). Also called: ARRHYTHMOGENIC RIGHT VENTRICULAR DYSPLASIA, FAMILIAL, 8; ARRHYTHMOGENIC RIGHT VENTRICULAR CARDIOMYOPATHY 8; Arrhythmogenic Right Ventricular Dysplasia/Cardiomyopathy 8. Identifiers: MedGen C1843896, MONDO:0011831, OMIM 607450.

Submission:

Labcorp Genetics (formerly Invitae), Labcorp
Classification: Uncertain significance for Arrhythmogenic cardiomyopathy with wooly hair and keratoderma; Arrhythmogenic right ventricular dysplasia 8. Last evaluated: 2021-11-19. Review status: criteria provided, single submitter. Criteria: Invitae Variant Classification Sherloc (09022015). Collection method: clinical testing. Allele origin: germline.
Comment: In summary, the available evidence is currently insufficient to determine the role of this variant in disease. Therefore, it has been classified as a Variant of Uncertain Significance. Algorithms developed to predict the effect of missense changes on protein structure and function are either unavailable or do not agree on the potential impact of this missense change (SIFT: "Tolerated"; PolyPhen-2: "Probably Damaging"; Align-GVGD: "Class C0"). This variant has not been reported in the literature in individuals affected with DSP-related conditions. This variant is not present in population databases (gnomAD no frequency). This sequence change replaces proline, which is neutral and non-polar, with glutamine, which is neutral and polar, at codon 2408 of the DSP protein (p.Pro2408Gln).